The following continues an entry in ClinVar:

NM_001267550.2(TTN):c.82081C>G (p.Pro27361Ala)

ClinVar aggregate classification (germline): Benign/Likely benign. Benign (17); Likely benign (6).

Submissions 21 to 29 of 29:

Biesecker Lab/Clinical Genomics Section, National Institutes of Health
Classification: Likely benign. Last evaluated: 2013-06-24. Review status: criteria provided, single submitter. Criteria: Ng et al. (Circ Cardiovasc Genet. 2013). Collection method: research. Allele origin: unknown. Observed: 3 variant alleles. Study: ClinSeq.
Comment: The study set was not selected for affection status in relation to any cancer. Pathogenicity categories were based on literature curation. See Pubmed ID:23861362 for details.

Medical sequencing

Laboratory for Molecular Medicine, Mass General Brigham Personalized Medicine
Classification: Likely benign. Last evaluated: 2012-06-01. Review status: criteria provided, single submitter. Criteria: LMM Criteria. Collection method: clinical testing. Allele origin: germline. Observed: 5 variant alleles.
Comment: Pro24739Ala in exon 275 of TTN: This variant is not expected to have clinical si gnificance because it has been identified in 1.7% (10/572) of Asian chromosomes from a broad population by the 1000 Genomes Project (dbSNP rs56137800). Pro24 739Ala in exon 275 of TTN (rs56137800; allele frequency = 1.7%, 10/572)

Breakthrough Genomics
Classification: Likely benign. Review status: criteria provided, single submitter. Criteria: ACMG Guidelines, 2015. Collection method: not provided. Allele origin: germline. Inheritance: Autosomal recessive inheritance. Affected: yes.

PreventionGenetics, part of Exact Sciences
Classification: Benign for TTN-related condition. Last evaluated: 2022-06-23. Review status: no assertion criteria provided. Collection method: clinical testing. Allele origin: germline. Not counted in ClinVar's aggregate classification.
Comment: This variant is classified as benign based on ACMG/AMP sequence variant interpretation guidelines (Richards et al. 2015 PMID: 25741868, with internal and published modifications).

Clinical Genetics DNA and cytogenetics Diagnostics Lab, Erasmus MC, Erasmus Medical Center
Classification: Benign. Review status: no assertion criteria provided. Collection method: clinical testing. Allele origin: germline. Affected: yes. Study: VKGL Data-share Consensus. Not counted in ClinVar's aggregate classification.

Clinical Genetics, Academic Medical Center
Classification: Benign. Review status: no assertion criteria provided. Collection method: clinical testing. Allele origin: germline. Affected: yes. Study: VKGL Data-share Consensus. Not counted in ClinVar's aggregate classification.

Genome Diagnostics Laboratory, University Medical Center Utrecht
Classification: Benign. Review status: no assertion criteria provided. Collection method: clinical testing. Allele origin: germline. Affected: yes. Study: VKGL Data-share Consensus. Not counted in ClinVar's aggregate classification.

Joint Genome Diagnostic Labs from Nijmegen and Maastricht, Radboudumc and MUMC+
Classification: Likely benign. Review status: no assertion criteria provided. Collection method: clinical testing. Allele origin: germline. Affected: yes. Study: VKGL Data-share Consensus. Not counted in ClinVar's aggregate classification.

Laboratory of Diagnostic Genome Analysis, Leiden University Medical Center (LUMC)
Classification: Likely benign. Review status: no assertion criteria provided. Collection method: clinical testing. Allele origin: germline. Affected: yes. Study: VKGL Data-share Consensus. Not counted in ClinVar's aggregate classification.

Literature cited by the submitters: PubMed 27930701 (cited by Athena Diagnostics); PubMed 17344846 (cited by Athena Diagnostics).